The following is an entry in ClinVar:

NM_001972.4(ELANE):c.241C>T (p.Arg81Trp)

Gene: ELANE (elastase, neutrophil expressed; plus strand). Cytogenetic location: 19p13.3.
Variant type: single nucleotide variant.
Coding change: c.241C>T on transcript NM_001972.4 (MANE Select); coding-DNA position 241, C replaced by T.
Protein change: p.Arg81Trp; replaces arginine 81 with tryptophan.
Molecular consequence: missense variant.
Genome position (GRCh38, 1-based): chr19:853,278, C>T. VCF-style: chr19-853278-C-T. GRCh37 (hg19) VCF-style: chr19-853278-C-T.
Other names: c.241C>T (LRG_57t1); short protein forms R81W.
Identifiers: ClinVar variation 430341 (VCV000430341.2), dbSNP rs1131691914, ClinGen allele CA402915159.

ClinVar aggregate classification (germline): Uncertain significance (1 of 4 stars; one submission).

Allele frequency attached by ClinVar (database versions not stated): TOPMed below 0.00001; gnomAD 0.00001.

Submission:

GeneDx
Classification: Uncertain significance. Last evaluated: 2017-05-24. Review status: criteria provided, single submitter. Criteria: GeneDx Variant Classification (06012015). Collection method: clinical testing. Allele origin: germline. Affected: yes.
Comment: The R81W variant has not been published as a pathogenic variant, nor has it been reported as a benign variant to our knowledge. The variant is not observed in large population cohorts (Lek et al., 2016; 1000 Genomes Consortium et al., 2015; Exome Variant Server). R81W is a non-conservative amino acid substitution, which is likely to impact secondary protein structure as these residues differ in polarity, charge, size and/or other properties. However, this substitution occurs at a position within the Peptidase S1 domain that is not conserved, and in silico analysis is inconsistent in its predictions as to whether or not the variant is damaging to the protein structure/function. Missense variants in the same residue (R81P) and in nearby residues (R78H, V80G, V82M, V83D, L84P, G85R/E) have been reported in the Human Gene Mutation Database in association with neutropenia (Stenson et al., 2014), supporting the functional importance of this region of the protein. In summary, based on the currently available information, it is unclear whether this variant is a pathogenic variant or a rare benign variant.